The following is an entry in ClinVar:

ClinVar aggregate classification (germline): Uncertain significance. Review status: criteria provided, multiple submitters, no conflicts (2 of 4 stars). 3 submissions from 3 submitters: Uncertain significance (3). Last evaluated 2024-05-30.

Conditions:
Jeune thoracic dystrophy. Also called: Short-rib thoracic dysplasia; Jeune syndrome; Infantile thoracic dystrophy; Thoracic pelvic phalangeal dystrophy; Jeune's syndrome; Chondroectodermal dysplasia-like syndrome. Identifiers: Orphanet 474, MedGen C0265275, MONDO:0018770.
Inborn genetic diseases. Identifiers: MedGen C0950123, MeSH D030342.

Allele frequency attached by ClinVar (database versions not stated): gnomAD exomes 0.00001 and 0.00003; ExAC 0.00002; gnomAD 0.00011 and 0.00012; TOPMed 0.00014; ESP Exome Variant Server 0.00042.
gnomAD v4.1: 40 of 1,613,774 alleles (0.0025%); highest among the groups gnomAD compares: African/African-American, 0.049%; no homozygotes.

Submissions (3):

Ambry Genetics
Classification: Uncertain significance for Inborn genetic diseases. Last evaluated: 2024-05-30. Review status: criteria provided, single submitter. Criteria: Ambry Variant Classification Scheme 2023. Collection method: clinical testing. Allele origin: germline.

Labcorp Genetics (formerly Invitae), Labcorp
Classification: Uncertain significance for Jeune thoracic dystrophy. Last evaluated: 2022-08-31. Review status: criteria provided, single submitter. Criteria: Invitae Variant Classification Sherloc (09022015). Collection method: clinical testing. Allele origin: germline.
Comment: This sequence change replaces valine, which is neutral and non-polar, with isoleucine, which is neutral and non-polar, at codon 4097 of the DYNC2H1 protein (p.Val4097Ile). This variant is present in population databases (rs376545196, gnomAD 0.04%). This variant has not been reported in the literature in individuals affected with DYNC2H1-related conditions. ClinVar contains an entry for this variant (Variation ID: 1430358). Advanced modeling of protein sequence and biophysical properties (such as structural, functional, and spatial information, amino acid conservation, physicochemical variation, residue mobility, and thermodynamic stability) performed at Invitae indicates that this missense variant is not expected to disrupt DYNC2H1 protein function. In summary, the available evidence is currently insufficient to determine the role of this variant in disease. Therefore, it has been classified as a Variant of Uncertain Significance.

Women's Health and Genetics/Laboratory Corporation of America, LabCorp
Classification: Uncertain significance. Last evaluated: 2022-03-31. Review status: criteria provided, single submitter. Criteria: LabCorp Variant Classification Summary - May 2015. Collection method: clinical testing. Allele origin: germline.
Comment: Variant summary: DYNC2H1 c.12289G>A (p.Val4097Ile) results in a conservative amino acid change located in the Dynein heavy chain, C-terminal domain (IPR041228) of the encoded protein sequence. Four of five in-silico tools predict a benign effect of the variant on protein function. The variant allele was found at a frequency of 2.8e-05 in 248850 control chromosomes. The available data on variant occurrences in the general population are insufficient to allow any conclusion about variant significance. To our knowledge, no occurrence of c.12289G>A in individuals affected with Short-Rib Thoracic Dysplasia 3 With Or Without Polydactyly and no experimental evidence demonstrating its impact on protein function have been reported. One clinical diagnostic laboratory has submitted clinical-significance assessments for this variant to ClinVar after 2014 without evidence for independent evaluation and classified the variant as uncertain significance. Based on the evidence outlined above, the variant was classified as uncertain significance.

NM_001377.3(DYNC2H1):c.12268G>A (p.Val4090Ile)

Gene: DYNC2H1 (dynein cytoplasmic 2 heavy chain 1; plus strand). Cytogenetic location: 11q22.3.
Variant type: single nucleotide variant.
Coding change: c.12268G>A on transcript NM_001377.3 (MANE Select); coding-DNA position 12268, G replaced by A.
Protein change: p.Val4090Ile; replaces valine 4090 with isoleucine.
Molecular consequence: missense variant.
Genome position (GRCh38, 1-based): chr11:103,399,774, G>A. VCF-style: chr11-103399774-G-A. GRCh37 (hg19) VCF-style: chr11-103270502-G-A.
Other names: c.12289G>A, p.Val4097Ile (NM_001080463.2); short protein forms V4090I, V4097I.
Identifiers: ClinVar variation 1430358 (VCV001430358.7), dbSNP rs376545196, ClinGen allele CA6255501.